The following is an entry in ClinVar:

ClinVar aggregate classification (germline): Uncertain significance. Review status: criteria provided, multiple submitters, no conflicts (2 of 4 stars). 3 submissions from 2 submitters: Uncertain significance (3). Last evaluated 2022-01-01.

Conditions:
Retinitis pigmentosa 4 (RP4). Also called: RETINITIS PIGMENTOSA, RHODOPSIN-RELATED. Identifiers: Orphanet 791, MedGen C3151001, MONDO:0013395, OMIM 613731.
Retinitis pigmentosa (RP). Identifiers: Orphanet 791, MedGen C0035334, MeSH D012174, MONDO:0019200, OMIM 268000. Inheritance: Autosomal dominant, autosomal recessive and X linked inheritance.
Congenital stationary night blindness autosomal dominant 1. Also called: NIGHT BLINDNESS, CONGENITAL STATIONARY, RHODOPSIN-RELATED. Identifiers: Orphanet 215, MedGen C1864869, MONDO:0012498, OMIM 610445.

Allele frequency attached by ClinVar (database versions not stated): gnomAD exomes below 0.00001 and 0.00001; gnomAD 0.00001; TOPMed 0.00001; ExAC 0.00002.
gnomAD v4.1: 9 of 1,614,084 alleles (0.00056%); highest among the groups gnomAD compares: Middle Eastern, 0.033%; no homozygotes.

Submissions (3):

DBGen Ocular Genomics
Classification: Uncertain significance for Retinitis pigmentosa 4. Last evaluated: 2022-01-01. Review status: criteria provided, single submitter. Criteria: ACMG Guidelines, 2015. Collection method: clinical testing. Allele origin: unknown. Inheritance: Autosomal dominant inheritance. Affected: yes.
Comment: Class 3 ACMG Guidelines, 2015

Illumina Laboratory Services, Illumina
Classification: Uncertain significance for Congenital stationary night blindness autosomal dominant 1. Last evaluated: 2017-04-27. Review status: criteria provided, single submitter. Criteria: ICSL Variant Classification Criteria 13 December 2019. Collection method: clinical testing. Allele origin: germline.

Illumina Laboratory Services, Illumina
Classification: Uncertain significance for Retinitis pigmentosa. Last evaluated: 2017-04-27. Review status: criteria provided, single submitter. Criteria: ICSL Variant Classification Criteria 13 December 2019. Collection method: clinical testing. Allele origin: germline.

NM_000539.3(RHO):c.754C>T (p.Arg252Cys)

Gene: RHO (rhodopsin; plus strand). Cytogenetic location: 3q22.1.
Variant type: single nucleotide variant.
Coding change: c.754C>T on transcript NM_000539.3 (MANE Select); coding-DNA position 754, C replaced by T.
Protein change: p.Arg252Cys; replaces arginine 252 with cysteine.
Molecular consequence: missense variant.
Genome position (GRCh38, 1-based): chr3:129,532,590, C>T. VCF-style: chr3-129532590-C-T. GRCh37 (hg19) VCF-style: chr3-129251433-C-T.
Other names: short protein forms R252C.
Identifiers: ClinVar variation 900513 (VCV000900513.6), dbSNP rs752805805, ClinGen allele CA2607281.